The following is an entry in ClinVar:

NM_020923.3(ZDBF2):c.6683C>T (p.Ser2228Leu)

Gene: ZDBF2 (zinc finger DBF-type containing 2; plus strand). Cytogenetic location: 2q33.3.
Variant type: single nucleotide variant.
Coding change: c.6683C>T on transcript NM_020923.3 (MANE Select); coding-DNA position 6683, C replaced by T.
Protein change: p.Ser2228Leu; replaces serine 2228 with leucine.
Molecular consequence: missense variant.
Genome position (GRCh38, 1-based): chr2:206,311,211, C>T. VCF-style: chr2-206311211-C-T. GRCh37 (hg19) VCF-style: chr2-207175935-C-T.
Other names: c.6677C>T, p.Ser2226Leu (NM_001285549.2); c.6683C>T, p.Ser2228Leu (NM_001369654.1); short protein forms S2226L, S2228L.
Identifiers: ClinVar variation 4706174 (VCV004706174.1).
Genomic context (GRCh38, chr2:206,311,211, plus strand): 5'-CAGAGAAACAGTCAATTTGGATTCGGACCAAACCAAGTGATATCATTAGAAAGTATATTT[C>T]GAAATACTCTGTCTTTTTACGTCATAGATATCAGTCCAGGAGCGCTTTTCTTGGAAGGTA-3'
Protein context (NP_065974.1, residues 2218-2238): KPSDIIRKYI[Ser2228Leu]KYSVFLRHRY

ClinVar aggregate classification (germline): Uncertain significance (1 of 4 stars; one submission).

gnomAD v4.1: 72 of 1,612,082 alleles (0.0045%); highest among the groups gnomAD compares: South Asian, 0.0088%; no homozygotes.

Submission:

Labcorp Genetics (formerly Invitae), Labcorp
Classification: Uncertain significance. Last evaluated: 2026-01-06. Review status: criteria provided, single submitter. Criteria: Invitae Variant Classification Sherloc (09022015). Collection method: clinical testing. Allele origin: germline.
Comment: This sequence change replaces serine, which is neutral and polar, with leucine, which is neutral and non-polar, at codon 2228 of the ZDBF2 protein (p.Ser2228Leu). This variant is present in population databases (rs781279011, gnomAD 0.01%). This variant has not been reported in the literature in individuals affected with ZDBF2-related conditions. An algorithm developed to predict the effect of missense changes on protein structure and function outputs the following: PolyPhen-2: "Benign". The leucine amino acid residue is found in multiple mammalian species, which suggests that this missense change does not adversely affect protein function. Algorithms developed to predict the effect of sequence changes on RNA splicing suggest that this variant may create or strengthen a splice site. In summary, the available evidence is currently insufficient to determine the role of this variant in disease. Therefore, it has been classified as a Variant of Uncertain Significance.